The following is an entry in ClinVar:

NM_007294.4(BRCA1):c.2707del (p.Cys903fs)

Gene: BRCA1 (BRCA1 DNA repair associated; minus strand). Cytogenetic location: 17q21.31.
Variant type: Deletion.
Coding change: c.2707del on transcript NM_007294.4 (MANE Select); coding-DNA position 2707, one base deleted (T; older notation c.2707delT).
Protein change: p.Cys903fs; shifts the reading frame from cysteine 903.
Molecular consequence: frameshift variant. On other transcripts: intron variant (137).
Genome position (GRCh38, 1-based): chr17:43,092,824, A deleted on the plus strand (T on the coding strand, the reverse complement: BRCA1 is on the minus strand). VCF-style (leftmost placement, unchanged base first): chr17-43092823-CA-C. GRCh37 (hg19) VCF-style: chr17-41244840-CA-C.
Other names: c.2494del, p.Cys832fs (NM_001407571.1, NM_001407853.1, NM_001407894.1 and 9 more transcripts); c.2707del, p.Cys903fs (NM_001407581.1, NM_001407582.1, NM_001407583.1 and 30 more transcripts); c.2704del, p.Cys902fs (NM_001407587.1, NM_001407590.1, NM_001407591.1 and 22 more transcripts); c.2698del, p.Cys900fs (NM_001407646.1, NM_001407647.1); c.2584del, p.Cys862fs (NM_001407648.1, NM_001407664.1, NM_001407665.1 and 19 more transcripts); c.2581del, p.Cys861fs (NM_001407649.1, NM_001407670.1, NM_001407671.1 and 11 more transcripts); c.2629del, p.Cys877fs (NM_001407653.1, NM_001407654.1, NM_001407655.1 and 4 more transcripts); c.2626del, p.Cys876fs (NM_001407659.1, NM_001407660.1, NM_001407661.1 and 1 more transcripts); and 41 more; short protein forms C856fs, C903fs, C776fs, C792fs, C815fs, C902fs, C832fs, C861fs.
Identifiers: ClinVar variation 421037 (VCV000421037.3), dbSNP rs1064794864, ClinGen allele CA16620436.

ClinVar aggregate classification (germline): Pathogenic. Review status: reviewed by expert panel (3 of 4 stars). 2 submissions from 2 submitters: Pathogenic (1). 1 of the submissions does not count toward it. Last evaluated 2017-12-15.

Conditions:
Breast-ovarian cancer, familial, susceptibility to, 1 (BROVCA1). Also called: BRCA1 Hereditary Breast and Ovarian Cancer; OVARIAN CANCER, SUSCEPTIBILITY TO. Identifiers: Orphanet 145, MedGen C2676676, MONDO:0011450, OMIM 604370. Disease mechanism: loss of function.

Submissions (2):

Evidence-based Network for the Interpretation of Germline Mutant Alleles (ENIGMA)
Classification: Pathogenic for Breast-ovarian cancer, familial, susceptibility to, 1. Last evaluated: 2017-12-15. Review status: reviewed by expert panel. Criteria: ENIGMA BRCA1/2 Classification Criteria (2017-06-29). Collection method: curation. Allele origin: germline. Study: ENIGMA.
Comment: Variant allele predicted to encode a truncated non-functional protein.

GeneDx
Classification: Pathogenic. Last evaluated: 2016-04-26. Review status: criteria provided, single submitter. Criteria: GeneDx Variant Classification (06012015). Collection method: clinical testing. Allele origin: germline. Affected: yes. Not counted in ClinVar's aggregate classification.
Comment: This deletion of one nucleotide in BRCA1 is denoted c.2707delT at the cDNA level and p.Cys903ValfsX97 (C903VfsX97) at the protein level. Using alternate nomenclature, this variant would be defined as BRCA1 2826delT. The normal sequence, with the base that is deleted in braces, is TGAA[T]GTGA. The deletion causes a frameshift which changes a Cysteine to a Valine at codon 903, and creates a premature stop codon at position 97 of the new reading frame. Although this variant has not, to our knowledge, been reported in the literature, it is predicted to cause loss of normal protein function through either protein truncation or nonsense-mediated mRNA decay. We consider this variant to be pathogenic.